The following is an entry in ClinVar:

ClinVar aggregate classification (germline): Uncertain significance (1 of 4 stars; one submission).

Conditions:
Seizures, benign familial infantile, 3 (BFIS3). Also called: CONVULSIONS, BENIGN FAMILIAL INFANTILE, 3; Familial neonatal seizures. Identifiers: Orphanet 140927, Orphanet 306, MedGen C1843140, MONDO:0011904, OMIM 607745.

Submission:

Baylor Genetics
Classification: Uncertain significance for Seizures, benign familial infantile, 3. Last evaluated: 2019-03-07. Review status: criteria provided, single submitter. Criteria: ACMG Guidelines, 2015. Collection method: clinical testing. Allele origin: unknown. Affected: yes.
Comment: This variant was determined to be of uncertain significance according to ACMG Guidelines, 2015 [PMID:25741868].

NM_001040142.2(SCN2A):c.3849+4A>G

Gene: SCN2A (sodium voltage-gated channel alpha subunit 2; plus strand). Cytogenetic location: 2q24.3.
Variant type: single nucleotide variant.
Coding change: c.3849+4A>G on transcript NM_001040142.2 (MANE Select); 4 bases into the intron after coding-DNA position 3849, A replaced by G.
Molecular consequence: intron variant.
Genome position (GRCh38, 1-based): chr2:165,370,303, A>G. VCF-style: chr2-165370303-A-G. GRCh37 (hg19) VCF-style: chr2-166226813-A-G.
Other names: c.3849+4A>G (NM_001040143.2, NM_001371246.1, NM_001371247.1 and 1 more transcripts).
Identifiers: ClinVar variation 1028209 (VCV001028209.1), dbSNP rs1700958754, ClinGen allele CA1304556640.